The following is an entry in ClinVar:

NM_001111.5(ADAR):c.2969C>T (p.Pro990Leu)

Gene: ADAR (adenosine deaminase RNA specific; minus strand). Cytogenetic location: 1q21.3.
Variant type: single nucleotide variant.
Coding change: c.2969C>T on transcript NM_001111.5 (MANE Select); coding-DNA position 2969, C replaced by T.
Protein change: p.Pro990Leu; replaces proline 990 with leucine.
Molecular consequence: missense variant.
Genome position (GRCh38, 1-based): chr1:154,588,175, G>A on the plus strand (C>T on the coding strand, the complement: ADAR is on the minus strand). VCF-style: chr1-154588175-G-A. GRCh37 (hg19) VCF-style: chr1-154560651-G-A.
Other names: c.2084C>T, p.Pro695Leu (NM_001025107.3, NM_001193495.2, NM_001365046.1 and 2 more transcripts); c.2996C>T, p.Pro999Leu (NM_001365045.1); c.2006C>T, p.Pro669Leu (NM_001365049.1); c.2891C>T, p.Pro964Leu (NM_015840.4); c.2834C>T, p.Pro945Leu (NM_015841.4); short protein forms P669L, P695L, P945L, P964L, P990L, P999L.
Identifiers: ClinVar variation 3365673 (VCV003365673.1).

ClinVar aggregate classification (germline): Uncertain significance (1 of 4 stars; one submission).

Submission:

GeneDx
Classification: Uncertain significance. Last evaluated: 2023-12-16. Review status: criteria provided, single submitter. Criteria: GeneDx Variant Classification Process June 2021. Collection method: clinical testing. Allele origin: germline. Affected: yes.
Comment: Not observed at significant frequency in large population cohorts (gnomAD); In silico analysis supports that this missense variant has a deleterious effect on protein structure/function; Has not been previously published as pathogenic or benign to our knowledge